The following is an entry in ClinVar:

NM_024312.5(GNPTAB):c.636+1G>A

Gene: GNPTAB (N-acetylglucosamine-1-phosphate transferase subunits alpha and beta; minus strand). Cytogenetic location: 12q23.2.
Variant type: single nucleotide variant.
Coding change: c.636+1G>A on transcript NM_024312.5 (MANE Select); the canonical splice donor site of the intron after coding-DNA position 636, G replaced by A.
Molecular consequence: splice donor variant.
Genome position (GRCh38, 1-based): chr12:101,780,556, C>T on the plus strand (G>A on the coding strand, the complement: GNPTAB is on the minus strand). VCF-style: chr12-101780556-C-T. GRCh37 (hg19) VCF-style: chr12-102174334-C-T.
Identifiers: ClinVar variation 1495020 (VCV001495020.6), dbSNP rs746175107, ClinGen allele CA386304616.

ClinVar aggregate classification (germline): Likely pathogenic (1 of 4 stars; one submission).

Conditions:
Pseudo-Hurler polydystrophy. Also called: ML III; ML III ALPHA/BETA; Type III Mucolipidosis; ML IIIA; Mucolipidosis III Alpha/Beta; MUCOLIPIDOSIS IIIA. Identifiers: Orphanet 423461, Orphanet 577, MedGen C0033788, MONDO:0018931, OMIM 252600.
Mucolipidosis type II. Also called: ML II ALPHA/BETA; Mucolipidosis 2; ML 2; Inclusion cell disease; Leroy Disease; N-acetylglucosamine 1phosphotransferase deficiency. Identifiers: Orphanet 576, MedGen C2673377, MONDO:0009650, OMIM 252500.

Submission:

Labcorp Genetics (formerly Invitae), Labcorp
Classification: Likely pathogenic for Pseudo-Hurler polydystrophy; Mucolipidosis type II. Last evaluated: 2021-08-05. Review status: criteria provided, single submitter. Criteria: Invitae Variant Classification Sherloc (09022015). Collection method: clinical testing. Allele origin: germline.
Comment: This sequence change affects a donor splice site in intron 6 of the GNPTAB gene. It is expected to disrupt RNA splicing. Variants that disrupt the donor or acceptor splice site typically lead to a loss of protein function (PMID: 16199547), and loss-of-function variants in GNPTAB are known to be pathogenic (PMID: 19617216, 25107912). This variant is not present in population databases (ExAC no frequency). This variant has not been reported in the literature in individuals affected with GNPTAB-related conditions. Algorithms developed to predict the effect of sequence changes on RNA splicing suggest that this variant may disrupt the consensus splice site. In summary, the currently available evidence indicates that the variant is pathogenic, but additional data are needed to prove that conclusively. Therefore, this variant has been classified as Likely Pathogenic.

Literature cited by the submitters: PubMed 16199547; PubMed 19617216; PubMed 25107912.